The following is an entry in ClinVar:

ClinVar aggregate classification (germline): Uncertain significance (1 of 4 stars; one submission).

Conditions:
Growth hormone insensitivity with immune dysregulation 1, autosomal recessive. Also called: GROWTH HORMONE INSENSITIVITY DUE TO POSTRECEPTOR DEFECT; Laron syndrome with immunodeficiency; LARON SYNDROME DUE TO POSTRECEPTOR DEFECT; GROWTH HORMONE INSENSITIVITY SYNDROME WITH IMMUNE DYSREGULATION 1, AUTOSOMAL RECESSIVE. Identifiers: Orphanet 220465, MedGen C5435698, MONDO:0100211, OMIM 245590.

Allele frequency attached by ClinVar (database versions not stated): TOPMed below 0.00001.

Submission:

Labcorp Genetics (formerly Invitae), Labcorp
Classification: Uncertain significance for Growth hormone insensitivity with immune dysregulation 1, autosomal recessive. Last evaluated: 2022-09-16. Review status: criteria provided, single submitter. Criteria: Invitae Variant Classification Sherloc (09022015). Collection method: clinical testing. Allele origin: germline.
Comment: This sequence change replaces valine, which is neutral and non-polar, with leucine, which is neutral and non-polar, at codon 750 of the STAT5B protein (p.Val750Leu). This variant is not present in population databases (gnomAD no frequency). This variant has not been reported in the literature in individuals affected with STAT5B-related conditions. Algorithms developed to predict the effect of missense changes on protein structure and function (SIFT, PolyPhen-2, Align-GVGD) all suggest that this variant is likely to be tolerated. In summary, the available evidence is currently insufficient to determine the role of this variant in disease. Therefore, it has been classified as a Variant of Uncertain Significance.

NM_012448.4(STAT5B):c.2248G>C (p.Val750Leu)

Gene: STAT5B (signal transducer and activator of transcription 5B; minus strand). Cytogenetic location: 17q21.2.
Variant type: single nucleotide variant.
Coding change: c.2248G>C on transcript NM_012448.4 (MANE Select); coding-DNA position 2248, G replaced by C.
Protein change: p.Val750Leu; replaces valine 750 with leucine.
Molecular consequence: missense variant.
Genome position (GRCh38, 1-based): chr17:42,201,854, C>G on the plus strand (G>C on the coding strand, the complement: STAT5B is on the minus strand). VCF-style: chr17-42201854-C-G. GRCh37 (hg19) VCF-style: chr17-40353872-C-G.
Other names: short protein forms V750L.
Identifiers: ClinVar variation 1719587 (VCV001719587.6), dbSNP rs2080047086, ClinGen allele CA399572851.